The following is an entry in ClinVar:

NM_000368.5(TSC1):c.1075C>T (p.Pro359Ser)

Gene: TSC1 (TSC complex subunit 1; minus strand). Cytogenetic location: 9q34.13.
Variant type: single nucleotide variant.
Coding change: c.1075C>T on transcript NM_000368.5 (MANE Select); coding-DNA position 1075, C replaced by T.
Protein change: p.Pro359Ser; replaces proline 359 with serine.
Molecular consequence: missense variant. On other transcripts: non-coding transcript variant (5).
Genome position (GRCh38, 1-based): chr9:132,911,068, G>A on the plus strand (C>T on the coding strand, the complement: TSC1 is on the minus strand). VCF-style: chr9-132911068-G-A. GRCh37 (hg19) VCF-style: chr9-135786455-G-A.
Other names: c.1075C>T, p.Pro359Ser (NM_001406601.1, NM_001406602.1, NM_001406603.1 and 16 more transcripts); c.922C>T, p.Pro308Ser (NM_001406610.1, NM_001162427.2, NM_001406611.1 and 2 more transcripts); c.712C>T, p.Pro238Ser (NM_001406620.1, NM_001406621.1, NM_001406622.1 and 10 more transcripts); c.124C>T, p.Pro42Ser (NM_001406626.1, NM_001406627.1, NM_001406628.1); c.25C>T, p.Pro9Ser (NM_001406629.1, NM_001406630.1); short protein forms P359S, P238S, P308S, P9S, P42S.
Identifiers: ClinVar variation 3675805 (VCV003675805.2).
Genomic context (GRCh38, chr9:132,911,068, plus strand): 5'-TACCAAAGACTTTACTGTAAGGGTGTGACAGATCAGGTGGGACATTTCCAGGAGAAGTTG[G>A]AGGAGTGGTCATACCACAAACCATAGATGGGCTCCAAAGAGTAGCCTGGGAAGTTAATAA-3'
Protein context (NP_000359.1, residues 349-369): PSMVCGMTTP[Pro359Ser]TSPGNVPPDL

ClinVar aggregate classification (germline): Uncertain significance (1 of 4 stars; one submission).

Conditions:
Tuberous sclerosis 1 (TSC1). Identifiers: Orphanet 805, MedGen C1854465, MONDO:0008612, OMIM 191100.

gnomAD v4.1: 1 of 1,614,220 alleles (0.000062%); highest among the groups gnomAD compares: South Asian, 0.0011%; no homozygotes.

Submission:

Labcorp Genetics (formerly Invitae), Labcorp
Classification: Uncertain significance for Tuberous sclerosis 1. Last evaluated: 2025-05-14. Review status: criteria provided, single submitter. Criteria: Invitae Variant Classification Sherloc (09022015). Collection method: clinical testing. Allele origin: germline.
Comment: This sequence change replaces proline, which is neutral and non-polar, with serine, which is neutral and polar, at codon 359 of the TSC1 protein (p.Pro359Ser). This variant is not present in population databases (gnomAD no frequency). This variant has not been reported in the literature in individuals affected with TSC1-related conditions. ClinVar contains an entry for this variant (Variation ID: 3675805). Invitae Evidence Modeling of protein sequence and biophysical properties (such as structural, functional, and spatial information, amino acid conservation, physicochemical variation, residue mobility, and thermodynamic stability) indicates that this missense variant is not expected to disrupt TSC1 protein function with a negative predictive value of 95%. In summary, the available evidence is currently insufficient to determine the role of this variant in disease. Therefore, it has been classified as a Variant of Uncertain Significance.